The following is an entry in ClinVar:

NM_004928.3(CFAP410):c.545C>A (p.Thr182Asn)

Gene: CFAP410 (cilia and flagella associated protein 410; minus strand). Cytogenetic location: 21q22.3.
Variant type: single nucleotide variant.
Coding change: c.545C>A on transcript NM_004928.3 (MANE Select); coding-DNA position 545, C replaced by A.
Protein change: p.Thr182Asn; replaces threonine 182 with asparagine.
Molecular consequence: missense variant.
Genome position (GRCh38, 1-based): chr21:44,331,843, G>T on the plus strand (C>A on the coding strand, the complement: CFAP410 is on the minus strand). VCF-style: chr21-44331843-G-T. GRCh37 (hg19) VCF-style: chr21-45751726-G-T.
Other names: c.545C>A, p.Thr182Asn (NM_001271440.2, NM_001271441.2); c.422C>A, p.Thr141Asn (NM_001271442.1); short protein forms T141N, T182N.
Identifiers: ClinVar variation 2024731 (VCV002024731.1), dbSNP rs142691279, ClinGen allele CA410453281.

ClinVar aggregate classification (germline): Uncertain significance (1 of 4 stars; one submission).

Submission:

Labcorp Genetics (formerly Invitae), Labcorp
Classification: Uncertain significance. Last evaluated: 2022-08-19. Review status: criteria provided, single submitter. Criteria: Invitae Variant Classification Sherloc (09022015). Collection method: clinical testing. Allele origin: germline.
Comment: This sequence change replaces threonine, which is neutral and polar, with asparagine, which is neutral and polar, at codon 182 of the CFAP410 protein (p.Thr182Asn). This variant is not present in population databases (gnomAD no frequency). This variant has not been reported in the literature in individuals affected with CFAP410-related conditions. Algorithms developed to predict the effect of missense changes on protein structure and function (SIFT, PolyPhen-2, Align-GVGD) all suggest that this variant is likely to be tolerated. In summary, the available evidence is currently insufficient to determine the role of this variant in disease. Therefore, it has been classified as a Variant of Uncertain Significance.